The following is an entry in ClinVar:

ClinVar aggregate classification (germline): Uncertain significance (1 of 4 stars; one submission).

Submission:

Labcorp Genetics (formerly Invitae), Labcorp
Classification: Uncertain significance. Last evaluated: 2023-03-15. Review status: criteria provided, single submitter. Criteria: Invitae Variant Classification Sherloc (09022015). Collection method: clinical testing. Allele origin: germline.
Comment: ClinVar contains an entry for this variant (Variation ID: 1906377). This variant has not been reported in the literature in individuals affected with HSPG2-related conditions. Information on the frequency of this variant in the gnomAD database is not available, as this variant may be reported differently in the database. This sequence change falls in intron 56 of the HSPG2 gene. It does not directly change the encoded amino acid sequence of the HSPG2 protein. In summary, the available evidence is currently insufficient to determine the role of this variant in disease. Therefore, it has been classified as a Variant of Uncertain Significance. Experimental studies and prediction algorithms are not available or were not evaluated, and the effect of this variant on mRNA splicing is currently unknown.

NM_005529.7(HSPG2):c.7295-14_7295-13delinsTG

Gene: HSPG2 (heparan sulfate proteoglycan 2; minus strand). Cytogenetic location: 1p36.12.
Variant type: Indel.
Coding change: c.7295-14_7295-13delinsTG on transcript NM_005529.7 (MANE Select); 14 bases into the intron before coding-DNA position 7295 through 13 bases into the intron before coding-DNA position 7295, CC replaced by TG.
Molecular consequence: intron variant.
Genome position (GRCh38, 1-based): chr1:21,850,205-21,850,206, GG replaced by CA on the plus strand (CC replaced by TG on the coding strand, the reverse complement: HSPG2 is on the minus strand). VCF-style: chr1-21850205-GG-CA. GRCh37 (hg19) VCF-style: chr1-22176698-GG-CA.
Other names: c.7298-14_7298-13delinsTG (NM_001291860.2).
Identifiers: ClinVar variation 1906377 (VCV001906377.3), dbSNP rs2550680070, ClinGen allele CA2580061470.